The following is an entry in ClinVar:

NM_003690.5(PRKRA):c.581A>G (p.Asn194Ser)

Gene: PRKRA (protein activator of interferon induced protein kinase EIF2AK2; minus strand). Cytogenetic location: 2q31.2.
Variant type: single nucleotide variant.
Coding change: c.581A>G on transcript NM_003690.5 (MANE Select); coding-DNA position 581, A replaced by G.
Protein change: p.Asn194Ser; replaces asparagine 194 with serine.
Molecular consequence: missense variant.
Genome position (GRCh38, 1-based): chr2:178,441,638, T>C on the plus strand (A>G on the coding strand, the complement: PRKRA is on the minus strand). VCF-style: chr2-178441638-T-C. GRCh37 (hg19) VCF-style: chr2-179306365-T-C.
Other names: c.548A>G, p.Asn183Ser (NM_001139517.2); c.506A>G, p.Asn169Ser (NM_001139518.2); c.242A>G, p.Asn81Ser (NM_001316362.2); short protein forms N194S, N183S, N169S, N81S.
Identifiers: ClinVar variation 2061249 (VCV002061249.4), dbSNP rs749948940, ClinGen allele CA1983848.
Genomic context (GRCh38, chr2:178,441,638, plus strand): 5'-ACATTAACATCATAGCTGTCAACATTACTCACTAAAGAAATGTGGTTCTCTGGAGAAATA[T>C]TACTAAATTTGGCAAGAAATTTCTCAGCAGCATTCCTTTTGGCTTGCTTTTTTGATGCCC-3'
Protein context (NP_003681.1, residues 184-204): AAEKFLAKFS[Asn194Ser]ISPENHISLT

ClinVar aggregate classification (germline): Uncertain significance (1 of 4 stars; one submission).

Conditions:
Dystonia 16 (DYT16). Also called: DYT-PRKRA. Identifiers: Orphanet 210571, MedGen C2677567, MONDO:0012789, OMIM 612067.

Allele frequency attached by ClinVar (database versions not stated): gnomAD exomes below 0.00001; ExAC 0.00001.
gnomAD v4.1: 1 of 1,608,110 alleles (0.000062%); highest among the groups gnomAD compares: Admixed American, 0.0017%; no homozygotes.

Submission:

Labcorp Genetics (formerly Invitae), Labcorp
Classification: Uncertain significance for Dystonia 16. Last evaluated: 2022-06-04. Review status: criteria provided, single submitter. Criteria: Invitae Variant Classification Sherloc (09022015). Collection method: clinical testing. Allele origin: germline.
Comment: This sequence change replaces asparagine, which is neutral and polar, with serine, which is neutral and polar, at codon 194 of the PRKRA protein (p.Asn194Ser). This variant is present in population databases (rs749948940, gnomAD 0.003%). This variant has not been reported in the literature in individuals affected with PRKRA-related conditions. Algorithms developed to predict the effect of missense changes on protein structure and function (SIFT, PolyPhen-2, Align-GVGD) all suggest that this variant is likely to be tolerated. Algorithms developed to predict the effect of sequence changes on RNA splicing suggest that this variant may create or strengthen a splice site. In summary, the available evidence is currently insufficient to determine the role of this variant in disease. Therefore, it has been classified as a Variant of Uncertain Significance.